The following is an entry in ClinVar:

NM_000787.4(DBH):c.105C>T (p.Ala35=)

Gene: DBH (dopamine beta-hydroxylase; plus strand). Cytogenetic location: 9q34.2.
Variant type: single nucleotide variant.
Coding change: c.105C>T on transcript NM_000787.4 (MANE Select); coding-DNA position 105, C replaced by T.
Protein change: p.Ala35=; no amino-acid change (alanine 35 retained).
Molecular consequence: synonymous variant.
Genome position (GRCh38, 1-based): chr9:133,636,476, C>T. VCF-style: chr9-133636476-C-T. GRCh37 (hg19) VCF-style: chr9-136501598-C-T.
Identifiers: ClinVar variation 365630 (VCV000365630.15), dbSNP rs140025171, ClinGen allele CA5312947.

ClinVar aggregate classification (germline): Benign/Likely benign. Review status: criteria provided, multiple submitters, no conflicts (2 of 4 stars). 3 submissions from 3 submitters: Benign (1); Likely benign (2). Last evaluated 2025-12-20.

Conditions:
Orthostatic hypotension 1 (ORTHYP1). Also called: Dopamine beta-hydroxylase deficiency; Orthostatic hypotension 1, due to DBH deficiency; NORADRENALINE DEFICIENCY; NOREPINEPHRINE DEFICIENCY. Identifiers: Orphanet 230, MedGen C4746777, MONDO:0009123, OMIM 223360.

Allele frequency attached by ClinVar (database versions not stated): gnomAD 0.00026 and 0.00042; TOPMed 0.00039; ESP Exome Variant Server 0.00046; gnomAD exomes 0.00070 and 0.00112; 1000 Genomes Project 30x 0.00094; ExAC 0.00117; 1000 Genomes Project 0.00120.
gnomAD v4.1: 1,092 of 1,613,070 alleles (0.068%); highest among the groups gnomAD compares: South Asian, 0.6%; 10 homozygotes.

Submissions (3):

Labcorp Genetics (formerly Invitae), Labcorp
Classification: Benign for Orthostatic hypotension 1. Last evaluated: 2025-12-20. Review status: criteria provided, single submitter. Criteria: Invitae Variant Classification Sherloc (09022015). Collection method: clinical testing. Allele origin: germline.

Blueprint Genetics
Classification: Likely benign. Last evaluated: 2024-11-11. Review status: criteria provided, single submitter. Criteria: ACMG Guidelines, 2015. Collection method: clinical testing. Allele origin: germline.

Illumina Laboratory Services, Illumina
Classification: Likely benign for Orthostatic hypotension 1. Last evaluated: 2018-01-13. Review status: criteria provided, single submitter. Criteria: ICSL Variant Classification Criteria 13 December 2019. Collection method: clinical testing. Allele origin: germline.
Comment: This variant was observed in the ICSL laboratory as part of a predisposition screen in an ostensibly healthy population. It had not been previously curated by ICSL or reported in the Human Gene Mutation Database (HGMD: prior to June 1st, 2018), and was therefore a candidate for classification through an automated scoring system. Utilizing variant allele frequency, disease prevalence and penetrance estimates, and inheritance mode, an automated score was calculated to assess if this variant is too frequent to cause the disease. Based on the score and internal cut-off values, a variant classified as likely benign is not then subjected to further curation. The score for this variant resulted in a classification of likely benign for this disease.